The following is an entry in ClinVar:

ClinVar aggregate classification (germline): Uncertain significance (1 of 4 stars; one submission).

Submission:

Labcorp Genetics (formerly Invitae), Labcorp
Classification: Uncertain significance. Last evaluated: 2021-11-28. Review status: criteria provided, single submitter. Criteria: Invitae Variant Classification Sherloc (09022015). Collection method: clinical testing. Allele origin: germline.
Comment: In summary, the available evidence is currently insufficient to determine the role of this variant in disease. Therefore, it has been classified as a Variant of Uncertain Significance. Experimental studies and prediction algorithms are not available or were not evaluated, and the functional significance of this variant is currently unknown. This variant has not been reported in the literature in individuals affected with PTPN23-related conditions. Information on the frequency of this variant in the gnomAD database is not available, as this variant may be reported differently in the database. This sequence change replaces glutamine, which is neutral and polar, with glutamic acid, which is acidic and polar, at codon 636 of the PTPN23 protein (p.Gln636Glu).

NM_015466.4(PTPN23):c.1905_1906delinsAG (p.Gln636Glu)

Gene: PTPN23 (protein tyrosine phosphatase non-receptor type 23; plus strand). Cytogenetic location: 3p21.31.
Variant type: Indel.
Coding change: c.1905_1906delinsAG on transcript NM_015466.4 (MANE Select); coding-DNA positions 1905 to 1906, GC replaced by AG.
Protein change: p.Gln636Glu; replaces glutamine 636 with glutamic acid.
Molecular consequence: missense variant.
Genome position (GRCh38, 1-based): chr3:47,409,524-47,409,525, GC replaced by AG. VCF-style: chr3-47409524-GC-AG. GRCh37 (hg19) VCF-style: chr3-47451014-GC-AG.
Other names: c.1527_1528delinsAG, p.Gln510Glu (NM_001304482.2); short protein forms Q510E, Q636E.
Identifiers: ClinVar variation 1395610 (VCV001395610.6), dbSNP rs2107720467, ClinGen allele CA2573137178.